The following is an entry in ClinVar:

ClinVar aggregate classification (germline): Uncertain significance (1 of 4 stars; one submission).

Conditions:
Developmental delay and seizures with or without movement abnormalities. Identifiers: MedGen C4693376, MONDO:0044326, OMIM 617836.

Submission:

Neuberg Centre For Genomic Medicine, NCGM
Classification: Uncertain significance for Developmental delay and seizures with or without movement abnormalities. Last evaluated: 2023-07-22. Review status: criteria provided, single submitter. Criteria: ACMG Guidelines, 2015. Collection method: clinical testing. Allele origin: germline. Affected: yes.
Comment: The observed missense variant c.262A>Gp.Ser88Gly in the DHDDS gene has not been reported previously as a pathogenic variant nor as a benign variant, to our knowledge. This variant is absent in the gnomAD Exomes. The amino acid Ser at position 88 is changed to a Gly changing protein sequence and it might alter its composition and physico-chemical properties. Multiple lines of computational evidence SIFT - Damaging and MutationTaster - Disease causing predict a damaging effect on protein structure and function for this variant. The residue is conserved by GERP++ and PhyloP across 100 vertebrates. For these reasons, this variant has been classified as Uncertain Significance.

NM_205861.3(DHDDS):c.262A>G (p.Ser88Gly)

Gene: DHDDS (dehydrodolichyl diphosphate synthase subunit; plus strand). Cytogenetic location: 1p36.11.
Variant type: single nucleotide variant.
Coding change: c.262A>G on transcript NM_205861.3 (MANE Select); coding-DNA position 262, A replaced by G.
Protein change: p.Ser88Gly; replaces serine 88 with glycine.
Molecular consequence: missense variant. On other transcripts: 5 prime UTR variant (1).
Genome position (GRCh38, 1-based): chr1:26,442,812, A>G. VCF-style: chr1-26442812-A-G. GRCh37 (hg19) VCF-style: chr1-26769303-A-G.
Other names: c.262A>G, p.Ser88Gly (NM_001243564.2, NM_001243565.2, NM_024887.4); c.-18A>G (NM_001319959.2); short protein forms S88G.
Identifiers: ClinVar variation 3391345 (VCV003391345.1).